The following is an entry in ClinVar:

ClinVar aggregate classification (germline): Likely pathogenic. Review status: criteria provided, single submitter (1 of 4 stars). 3 submissions from 2 submitters: Likely pathogenic (2). 1 of the submissions does not count toward it. Last evaluated 2024-10-04.

Conditions:
Generalized dominant dystrophic epidermolysis bullosa (DDEB). Also called: DDEB, generalized; DDEB-gen; DYSTROPHIC EPIDERMOLYSIS BULLOSA, AUTOSOMAL DOMINANT; Epidermolysis bullosa dystrophica, autosomal dominant; Dominant DEB (DDEB). Identifiers: Orphanet 231568, MedGen C0432322, MONDO:0007549, OMIM 131750.
Recessive dystrophic epidermolysis bullosa (RDEB). Also called: DYSTROPHIC EPIDERMOLYSIS BULLOSA, AUTOSOMAL RECESSIVE; EPIDERMOLYSIS BULLOSA DYSTROPHICA, HALLOPEAU-SIEMENS TYPE; EPIDERMOLYSIS BULLOSA DYSTROPHICA, GENERALIZED SEVERE, AUTOSOMAL RECESSIVE; Hallopeau-Siemens Disease; Epidermolysis Bullosa Distrophica Autosomal Recessive (RDEB); epidermolysis bullosa dystrophica, autosomal recessive. Identifiers: Orphanet 79408, Orphanet 79409, MedGen C0079474, MONDO:0009179, OMIM 226600.
COL7A1-related disorder. Also called: COL7A1-related condition; COL7A1- related disorders.

Submissions (3):

Dubai Health Genomic Medicine Center, Dubai Health
Classification: Likely pathogenic for epidermolysis bullosa dystrophica, autosomal recessive. Last evaluated: 2024-10-04. Review status: criteria provided, single submitter. Criteria: ACMG Guidelines, 2015. Collection method: research. Allele origin: germline. Affected: yes.
Comment: PM2, PM5, PM1, PP4

Dubai Health Genomic Medicine Center, Dubai Health
Classification: Likely pathogenic for Generalized dominant dystrophic epidermolysis bullosa. Last evaluated: 2020-03-30. Review status: criteria provided, single submitter. Criteria: ACMG Guidelines, 2015. Collection method: clinical testing. Allele origin: germline. Affected: yes.
Comment: The p.Gly2245Asp missense variant in COL7A1 has not been previously reported individuals with disease though different amino acid substituitions affecting the same amino acid residue (Gly2245Val, Gly2245Arg, Gly2245Ser) were reported previously in patients with Epidermolysis bullosa pruriginosa (PMID: 23397949, 26833212). The p.Gly2245Asp variant is absent from large population studies such as the Genome Aggregation Database (gnomAD) and the Greater Middle East (GME) Variome Database. The glycine residue at position 2245 of COL7A1 is highly conserved across all mammalian species and is within a likely Gly-X-Y motif which is required for collagen triple helical coiling. In summary this variant meets our criteria to be classified as likely pathogenic. Most cases of Dominant DEB results from dominant-negative amino acid substitutions of glycine in the collagenous triple helical domain of collagen VII although a few splice junction and other amino acid substitutions have been reported .

PreventionGenetics, part of Exact Sciences
Classification: Likely pathogenic for COL7A1-related condition. Last evaluated: 2023-12-27. Review status: no assertion criteria provided. Collection method: clinical testing. Allele origin: germline. Not counted in ClinVar's aggregate classification.
Comment: The COL7A1 c.6734G>A variant is predicted to result in the amino acid substitution p.Gly2245Asp. This variant was reported in the heterozygous state in an individual with epidermolysis bullosa (Table S6 in El Naofal et al. 2023. PubMed ID: 36703223). This variant has an interpretation of likely pathogenic in ClinVar. This variant has not been reported in a large population database, indicating this variant is rare. The amino acid residue p.Gly2245 is within the triple helical domain of the COL7A1 protein. Glycine substitutions within this domain affect the folding and secretion of type VII collagen, and pathogenic variants altering glycine residues have been reported in individuals with COL7A1-related disorders (Dang et al. 2008, PubMed ID: 18558993; Abu Sa'd et al. 2006. PubMed ID: 16439963; Almaani et al. 2011. PubMed ID: 21448560; Vahidnezhad et al. 2017. PubMed ID: 27899325). This variant is interpreted as likely pathogenic.

NM_000094.4(COL7A1):c.6734G>A (p.Gly2245Asp)

Gene: COL7A1 (collagen type VII alpha 1 chain; minus strand). Cytogenetic location: 3p21.31.
Variant type: single nucleotide variant.
Coding change: c.6734G>A on transcript NM_000094.4 (MANE Select); coding-DNA position 6734, G replaced by A.
Protein change: p.Gly2245Asp; replaces glycine 2245 with aspartic acid.
Molecular consequence: missense variant.
Genome position (GRCh38, 1-based): chr3:48,573,037, C>T on the plus strand (G>A on the coding strand, the complement: COL7A1 is on the minus strand). VCF-style: chr3-48573037-C-T. GRCh37 (hg19) VCF-style: chr3-48610470-C-T.
Other names: short protein forms G2245D.
Identifiers: ClinVar variation 1301574 (VCV001301574.5), dbSNP rs2107660525, ClinGen allele CA352655108.
Genomic context (GRCh38, chr3:48,573,037, plus strand): 5'-GACCCTTGACCCCTGGAGCCCAACCCTTGACCCCCAGAACTCACCACTTGTCCAGGCAAA[C>T]CTGGAGACCCCTGTGGACCCTGACGGAGAACAAGTCGGATGTCAGGGTGACAATGGACAC-3'
Protein context (NP_000085.1, residues 2235-2255): SGLVGPQGSP[Gly2245Asp]LPGQVGETGK